The following is an entry in ClinVar:

NM_003900.5(SQSTM1):c.185G>T (p.Gly62Val)

Genes: SQSTM1 (sequestosome 1; plus strand), LOC129995449 (ATAC-STARR-seq lymphoblastoid silent region 16749; plus strand). Cytogenetic location: 5q35.3.
Variant type: single nucleotide variant.
Coding change: c.185G>T on transcript NM_003900.5 (MANE Select); coding-DNA position 185, G replaced by T.
Protein change: p.Gly62Val; replaces glycine 62 with valine.
Molecular consequence: missense variant. On other transcripts: intron variant (2).
Genome position (GRCh38, 1-based): chr5:179,821,121, G>T. VCF-style: chr5-179821121-G-T. GRCh37 (hg19) VCF-style: chr5-179248121-G-T.
Other names: c.-47-1837G>T (NM_001142298.2, NM_001142299.2); short protein forms G62V.
Identifiers: ClinVar variation 586684 (VCV000586684.15), dbSNP rs774355338, ClinGen allele CA3600384.

ClinVar aggregate classification (germline): Conflicting classifications of pathogenicity. Review status: criteria provided, conflicting classifications (1 of 4 stars). 6 submissions from 6 submitters: Uncertain significance (1); Benign (1); Likely benign (4). Last evaluated 2026-05-06.

Conditions:
SQSTM1-related disorder. Also called: SQSTM1-Related Disorders.
Neurodegeneration with ataxia, dystonia, and gaze palsy, childhood-onset (NADGP). Identifiers: MedGen C4310693, MONDO:0014940, OMIM 617145.
Frontotemporal dementia and/or amyotrophic lateral sclerosis 1 (FTDALS1). Also called: Frontotemporal dementia with motor neuron disease 1; C9orf72 Frontotemporal Dementia and/or Amyotrophic Lateral Sclerosis. Identifiers: Orphanet 275872, MedGen C5779877, MONDO:0007105, OMIM 105550.
Paget disease of bone 2, early-onset (PDB2). Also called: Paget disease of bone 2. Identifiers: MedGen C4085251, MONDO:0011183, OMIM 602080.

Allele frequency attached by ClinVar (database versions not stated): ExAC 0.00082; gnomAD 0.00001 and 0.00008; TOPMed 0.00002; gnomAD exomes 0.00052; 1000 Genomes Project 30x 0.00062.
gnomAD v4.1: 130 of 1,375,064 alleles (0.0095%); highest among the groups gnomAD compares: South Asian, 0.2%; 1 homozygote.

Submissions (6):

Centre for Medical Genetics,  Mumbai
Classification: Likely benign for Neurodegeneration with ataxia, dystonia, and gaze palsy, childhood-onset. Last evaluated: 2026-05-06. Review status: criteria provided, single submitter. Criteria: ACMG Guidelines, 2015. Collection method: provider interpretation. Allele origin: germline. Inheritance: Autosomal recessive inheritance. Affected: no. Observed: 1 variant allele, 1 homozygote.
Comment: The variant satisfies PM2 criteria - extremely low frequency in gnomAD population databases. The variant satisfies BP6 criteria - reputable source recently reports variant as benign, but the evidence is not available to the laboratory to perform an independent evaluation. However, the variant satisfies BS2 criteria - present in homozygous state in an individual that clinically does not have neurodegeneration with ataxia, dystonia, and gaze palsy, childhood-onset.

Labcorp Genetics (formerly Invitae), Labcorp
Classification: Likely benign for Paget disease of bone 2, early-onset; Frontotemporal dementia and/or amyotrophic lateral sclerosis 1. Last evaluated: 2025-05-05. Review status: criteria provided, single submitter. Criteria: Invitae Variant Classification Sherloc (09022015). Collection method: clinical testing. Allele origin: germline.

PreventionGenetics, part of Exact Sciences
Classification: Likely benign for SQSTM1-related condition. Last evaluated: 2025-04-16. Review status: criteria provided, single submitter. Criteria: ACMG Guidelines, 2015. Collection method: clinical testing. Allele origin: germline.
Comment: This variant is classified as likely benign based on ACMG/AMP sequence variant interpretation guidelines (Richards et al. 2015 PMID: 25741868, with internal and published modifications).

GeneDx
Classification: Uncertain significance. Last evaluated: 2025-01-19. Review status: criteria provided, single submitter. Criteria: GeneDx Variant Classification Process June 2021. Collection method: clinical testing. Allele origin: germline.
Comment: In silico analysis supports that this missense variant has a deleterious effect on protein structure/function; Has not been previously published as pathogenic or benign to our knowledge

Blueprint Genetics
Classification: Likely benign. Last evaluated: 2023-05-08. Review status: criteria provided, single submitter. Criteria: ACMG Guidelines, 2015. Collection method: clinical testing. Allele origin: germline.

Athena Diagnostics
Classification: Benign. Last evaluated: 2018-05-24. Review status: criteria provided, single submitter. Criteria: Athena Diagnostics Criteria. Collection method: clinical testing. Allele origin: germline.

Literature cited by the submitters: PubMed 27545679 (cited by Centre for Medical Genetics,  Mumbai).